The following is an entry in ClinVar:

ClinVar aggregate classification (germline): Uncertain significance (1 of 4 stars; one submission).

Allele frequency attached by ClinVar (database versions not stated): TOPMed below 0.00001.

Submission:

Labcorp Genetics (formerly Invitae), Labcorp
Classification: Uncertain significance. Last evaluated: 2022-08-19. Review status: criteria provided, single submitter. Criteria: Invitae Variant Classification Sherloc (09022015). Collection method: clinical testing. Allele origin: germline.
Comment: In summary, the available evidence is currently insufficient to determine the role of this variant in disease. Therefore, it has been classified as a Variant of Uncertain Significance. Algorithms developed to predict the effect of missense changes on protein structure and function (SIFT, PolyPhen-2, Align-GVGD) all suggest that this variant is likely to be tolerated. This variant has not been reported in the literature in individuals affected with MICAL1-related conditions. This variant is not present in population databases (gnomAD no frequency). This sequence change replaces alanine, which is neutral and non-polar, with glycine, which is neutral and non-polar, at codon 432 of the MICAL1 protein (p.Ala432Gly).

NM_022765.4(MICAL1):c.1238C>G (p.Ala413Gly)

Gene: MICAL1 (microtubule associated monooxygenase, calponin and LIM domain containing 1; minus strand). Cytogenetic location: 6q21.
Variant type: single nucleotide variant.
Coding change: c.1238C>G on transcript NM_022765.4 (MANE Select); coding-DNA position 1238, C replaced by G.
Protein change: p.Ala413Gly; replaces alanine 413 with glycine.
Molecular consequence: missense variant.
Genome position (GRCh38, 1-based): chr6:109,450,039, G>C on the plus strand (C>G on the coding strand, the complement: MICAL1 is on the minus strand). VCF-style: chr6-109450039-G-C. GRCh37 (hg19) VCF-style: chr6-109771242-G-C.
Other names: c.980C>G, p.Ala327Gly (NM_001159291.2); c.1295C>G, p.Ala432Gly (NM_001286613.2); short protein forms A413G, A327G, A432G.
Identifiers: ClinVar variation 2115787 (VCV002115787.4), dbSNP rs1357199629, ClinGen allele CA365230589.